The following is an entry in ClinVar:

NM_000179.3(MSH6):c.2876G>A (p.Arg959His)

Gene: MSH6 (mutS homolog 6; plus strand). Cytogenetic location: 2p16.3.
Variant type: single nucleotide variant.
Coding change: c.2876G>A on transcript NM_000179.3 (MANE Select); coding-DNA position 2876, G replaced by A.
Protein change: p.Arg959His; replaces arginine 959 with histidine.
Molecular consequence: missense variant.
Genome position (GRCh38, 1-based): chr2:47,800,859, G>A. VCF-style: chr2-47800859-G-A. GRCh37 (hg19) VCF-style: chr2-48027998-G-A.
Other names: c.2486G>A, p.Arg829His (NM_001281492.2); c.1970G>A, p.Arg657His (NM_001281493.2, NM_001281494.2); short protein forms R959H, R657H, R829H.
Identifiers: ClinVar variation 186181 (VCV000186181.33), dbSNP rs757653982, ClinGen allele CA011033.

ClinVar aggregate classification (germline): Conflicting classifications of pathogenicity. Review status: criteria provided, conflicting classifications (1 of 4 stars). 14 submissions from 14 submitters: Uncertain significance (12); Likely benign (1). 1 of the submissions does not count toward it. Last evaluated 2025-12-13.

Conditions:
MSH6-related disorder. Also called: MSH6-related condition; MSH6-Related disorders.
Hereditary nonpolyposis colorectal neoplasms. Identifiers: MedGen C0009405, MeSH D003123.
Hereditary cancer-predisposing syndrome. Also called: Neoplastic Syndromes, Hereditary; Tumor predisposition; Hereditary neoplastic syndrome; Hereditary Cancer Syndrome. Identifiers: Orphanet 140162, MedGen C0027672, MeSH D009386, MONDO:0015356.
Lynch syndrome. Identifiers: Orphanet 144, MedGen C4552100, MONDO:0005835. Disease mechanism: loss of function.
Endometrial carcinoma. Also called: Endometrial carcinoma, somatic. Identifiers: MedGen C0476089, MONDO:0002447, OMIM 608089, HP:0012114.
Lynch syndrome 5 (LYNCH5). Also called: Colorectal cancer, hereditary nonpolyposis, type 5; Hereditary non-polyposis colorectal cancer, type 5. Identifiers: Orphanet 144, MedGen C1833477, MONDO:0013710, OMIM 614350. Disease mechanism: loss of function.

Allele frequency attached by ClinVar (database versions not stated): TOPMed below 0.00001; ExAC 0.00001; gnomAD 0.00001; gnomAD exomes 0.00001 and 0.00002.

Submissions (14):

Labcorp Genetics (formerly Invitae), Labcorp
Classification: Likely benign for Hereditary nonpolyposis colorectal neoplasms. Last evaluated: 2025-12-13. Review status: criteria provided, single submitter. Criteria: Invitae Variant Classification Sherloc (09022015). Collection method: clinical testing. Allele origin: germline.

PreventionGenetics, part of Exact Sciences
Classification: Uncertain significance for MSH6-related condition. Last evaluated: 2025-08-27. Review status: criteria provided, single submitter. Criteria: ACMG Guidelines, 2015. Collection method: clinical testing. Allele origin: germline.
Comment: The MSH6 c.2876G>A variant is predicted to result in the amino acid substitution p.Arg959His. This variant was reported in a tumor sample of an individual with Lynch syndrome (Table 1, Jansen et al. 2015. PubMed ID: 26648449). This variant is reported in 0.0039% of alleles in individuals of European (Non-Finnish) descent in gnomAD and is interpreted as uncertain significance in ClinVar (Variation ID: 186181). At this time, the clinical significance of this variant is uncertain due to the absence of conclusive functional and genetic evidence.

Ambry Genetics
Classification: Uncertain significance for Hereditary cancer-predisposing syndrome. Last evaluated: 2025-06-20. Review status: criteria provided, single submitter. Criteria: Ambry Variant Classification Scheme 2023. Collection method: clinical testing. Allele origin: germline.
Comment: The p.R959H variant (also known as c.2876G>A), located in coding exon 4 of the MSH6 gene, results from a G to A substitution at nucleotide position 2876. The arginine at codon 959 is replaced by histidine, an amino acid with highly similar properties. Using a Bayesian analysis that incorporates tumor mutation data, this variant was classified as uncertain significance (Shirts BH et al. Am J Hum Genet, 2018 07;103:19-29). This amino acid position is well conserved in available vertebrate species. In addition, the in silico prediction for this alteration is inconclusive. Since supporting evidence is limited at this time, the clinical significance of this alteration remains unclear.

GeneDx
Classification: Uncertain significance. Last evaluated: 2025-04-23. Review status: criteria provided, single submitter. Criteria: GeneDx Variant Classification Process June 2021. Collection method: clinical testing. Allele origin: germline. Affected: yes.
Comment: Not observed at significant frequency in large population cohorts (gnomAD); In silico analysis supports that this missense variant has a deleterious effect on protein structure/function; This variant is associated with the following publications: (PMID: 27300758, 25164765, 26110843, 26648449, 17531815, 21120944, 29596542)

Blueprint Genetics
Classification: Uncertain significance. Last evaluated: 2024-08-30. Review status: criteria provided, single submitter. Criteria: ACMG Guidelines, 2015. Collection method: clinical testing. Allele origin: germline.

Color Diagnostics, LLC DBA Color Health
Classification: Uncertain significance for Hereditary cancer-predisposing syndrome. Last evaluated: 2024-08-27. Review status: criteria provided, single submitter. Criteria: ACMG Guidelines, 2015. Collection method: clinical testing. Allele origin: germline.
Comment: This missense variant replaces arginine with histidine at codon 959 of the MSH6 protein. Computational prediction is inconclusive regarding the impact of this variant on protein structure and function (internally defined REVEL score threshold 0.5 < inconclusive < 0.7, PMID: 27666373). To our knowledge, functional studies have not been reported for this variant. This variant has been reported in an individual with colorectal cancer that displayed high microsatellite instability with intact MSH6 protein but loss of of MLH1 and PMS2 proteins via immunohistochemistry analysis (PMID: 29596542). This variant has been identified in 5/281452 chromosomes in the general population by the Genome Aggregation Database (gnomAD). The available evidence is insufficient to determine the role of this variant in disease conclusively. Therefore, this variant is classified as a Variant of Uncertain Significance.

Women's Health and Genetics/Laboratory Corporation of America, LabCorp
Classification: Uncertain significance. Last evaluated: 2024-06-07. Review status: criteria provided, single submitter. Criteria: LabCorp Variant Classification Summary - May 2015. Collection method: clinical testing. Allele origin: germline.
Comment: Variant summary: MSH6 c.2876G>A (p.Arg959His) results in a non-conservative amino acid change located in the DNA mismatch repair protein MutS, core domain (IPR007696) of the encoded protein sequence. Five of five in-silico tools predict a damaging effect of the variant on protein function. The variant allele was found at a frequency of 1.6e-05 in 250052 control chromosomes, predominantly at a frequency of 3.5e-05 within the Non-Finnish European subpopulation in the gnomAD database. The available data on variant occurrences in the general population are insufficient to allow any conclusion about variant significance. To our knowledge, no occurrence of c.2876G>A in individuals affected with Lynch Syndrome and no experimental evidence demonstrating its impact on protein function have been reported. ClinVar contains an entry for this variant (Variation ID: 186181). Based on the evidence outlined above, the variant was classified as uncertain significance.

All of Us Research Program, National Institutes of Health
Classification: Uncertain significance for Lynch syndrome. Last evaluated: 2024-01-11. Review status: criteria provided, single submitter. Criteria: ACMG Guidelines, 2015. Collection method: clinical testing. Allele origin: germline. Inheritance: Autosomal dominant inheritance. Observed: 2 variant alleles, 2 heterozygotes.
Comment: This missense variant replaces arginine with histidine at codon 959 of the MSH6 protein. Computational prediction is inconclusive regarding the impact of this variant on protein structure and function (internally defined REVEL score threshold 0.5 < inconclusive < 0.7, PMID: 27666373). To our knowledge, functional studies have not been reported for this variant. This variant has been reported in individual suspected of having Lynch syndrome (PMID: 26648449, 29596542). This variant has been identified in 5/281452 chromosomes in the general population by the Genome Aggregation Database (gnomAD). The available evidence is insufficient to determine the role of this variant in disease conclusively. Therefore, this variant is classified as a Variant of Uncertain Significance.

This study involves interpretation of variants in research participants for the purpose of population health screening. Participant phenotype was not available at the time of variant classification. Additional details can be found in publication PMID: 35346344, PMCID: PMC8962531

Baylor Genetics
Classification: Uncertain significance for Endometrial carcinoma. Last evaluated: 2023-07-01. Review status: criteria provided, single submitter. Criteria: ACMG Guidelines, 2015. Collection method: clinical testing. Allele origin: unknown.

Mayo Clinic Laboratories, Mayo Clinic
Classification: Uncertain significance. Last evaluated: 2023-06-28. Review status: criteria provided, single submitter. Criteria: ACMG Guidelines, 2015. Collection method: clinical testing. Allele origin: germline. Observed: 5 variant alleles.
Comment: PP3, PM2_moderate

Myriad Genetics, Inc.
Classification: Uncertain significance for Lynch syndrome 5. Last evaluated: 2023-03-28. Review status: criteria provided, single submitter. Criteria: Myriad Autosomal Dominant, Autosomal Recessive and X-Linked Classification Criteria (2023). Collection method: clinical testing. Allele origin: unknown.
Comment: This variant is classified as a variant of uncertain significance as there is insufficient evidence to determine its impact on protein function and/or cancer risk.

University of Washington Department of Laboratory Medicine, University of Washington
Classification: Uncertain significance for Lynch syndrome. Last evaluated: 2018-05-01. Review status: criteria provided, single submitter. Criteria: Shirts BH et al. (Am J Hum Genet 2018). Collection method: clinical testing. Allele origin: somatic. Affected: yes.
Comment: MSH6 NM_000179.2:c.2876G>A has a 92.9% probability of pathogenicity based on combining prior probability from public data with a likelihood ratio of 1.56 to 1, generated from evidence of seeing this as a somatic mutation in a tumor without loss of heterozygosity at the MSH6 locus. See Shirts et al 2018, PMID 29887214.

Quest Diagnostics Nichols Institute San Juan Capistrano
Classification: Uncertain significance. Last evaluated: 2016-10-11. Review status: criteria provided, single submitter. Criteria: Quest Diagnostics criteria. Collection method: clinical testing. Allele origin: germline.

Counsyl
Classification: Uncertain significance for Lynch syndrome 5. Last evaluated: 2017-11-14. Review status: no assertion criteria provided. Collection method: clinical testing. Allele origin: unknown. Not counted in ClinVar's aggregate classification.

Literature cited by the submitters: PubMed 29887214 (cited by Ambry Genetics and Mayo Clinic Laboratories, Mayo Clinic); PubMed 29596542 (cited by Color Diagnostics, LLC DBA Color Health and All of Us Research Program, National Institutes of Health); PubMed 26648449 (cited by All of Us Research Program, National Institutes of Health).